The following is an entry in ClinVar:

ClinVar aggregate classification (germline): Likely pathogenic (1 of 4 stars; one submission).

Conditions:
Dyskeratosis congenita, autosomal recessive 6 (DKCB6). Identifiers: MedGen C4225356, MONDO:0014600, OMIM 616353.
Pulmonary fibrosis and/or bone marrow failure, Telomere-related, 4. Also called: PULMONARY FIBROSIS AND/OR BONE MARROW FAILURE SYNDROME, TELOMERE-RELATED, 4. Identifiers: Orphanet 2032, MedGen C4225347, MONDO:0014612, OMIM 616371.

Submission:

Labcorp Genetics (formerly Invitae), Labcorp
Classification: Likely pathogenic for Dyskeratosis congenita, autosomal recessive 6; Pulmonary fibrosis and/or bone marrow failure, Telomere-related, 4. Last evaluated: 2020-07-20. Review status: criteria provided, single submitter. Criteria: Invitae Variant Classification Sherloc (09022015). Collection method: clinical testing. Allele origin: germline.
Comment: In summary, the currently available evidence indicates that the variant is pathogenic, but additional data are needed to prove that conclusively. Therefore, this variant has been classified as Likely Pathogenic. Loss-of-function variants in PARN are known to be pathogenic (PMID: 9736620, 25848748, 26810774). This variant has not been reported in the literature in individuals with PARN-related conditions. This variant results in a copy number gain of the genomic region encompassing exon(s) 19-21 of the PARN gene. While the exact position of this variant cannot be determined from the data, sub-genic copy number gains are generally in tandem (PMID: 25640679). This variant is predicted to be out-of-frame, and may result in an absent or disrupted protein product.

Literature cited by the submitters: PubMed 9736620; PubMed 25848748; PubMed 26810774; PubMed 25640679.

NC_000016.9:g.(?_14645858)_(14649586_?)dup

Gene: PARN (poly(A)-specific ribonuclease; minus strand). Cytogenetic location: 16p13.12.
Variant type: Duplication.
Identifiers: ClinVar variation 1068174 (VCV001068174.9).